The following is an entry in ClinVar:

ClinVar aggregate classification (germline): Uncertain significance. Review status: criteria provided, multiple submitters, no conflicts (2 of 4 stars). 2 submissions from 2 submitters: Uncertain significance (2). Last evaluated 2024-10-24.

Conditions:
Inborn genetic diseases. Identifiers: MedGen C0950123, MeSH D030342.
Gamma-aminobutyric acid transaminase deficiency (GABATD). Also called: GABA aminotransaminase deficiency; GABA transaminase deficiency; Gamma aminobutyrate transaminase deficiency; 4 alpha aminobutyrate transaminase deficiency. Identifiers: Orphanet 2066, MedGen C0342708, MONDO:0013166, OMIM 613163.

Allele frequency attached by ClinVar (database versions not stated): TOPMed 0.00001.
gnomAD v4.1: 2 of 1,614,100 alleles (0.00012%); highest among the groups gnomAD compares: Non-Finnish European, 0.000085%; no homozygotes.

Submissions (2):

Labcorp Genetics (formerly Invitae), Labcorp
Classification: Uncertain significance for Gamma-aminobutyric acid transaminase deficiency. Last evaluated: 2024-10-24. Review status: criteria provided, single submitter. Criteria: Invitae Variant Classification Sherloc (09022015). Collection method: clinical testing. Allele origin: germline.
Comment: This sequence change replaces histidine, which is basic and polar, with glutamine, which is neutral and polar, at codon 483 of the ABAT protein (p.His483Gln). This variant is not present in population databases (gnomAD no frequency). This variant has not been reported in the literature in individuals affected with ABAT-related conditions. ClinVar contains an entry for this variant (Variation ID: 1924693). Invitae Evidence Modeling of protein sequence and biophysical properties (such as structural, functional, and spatial information, amino acid conservation, physicochemical variation, residue mobility, and thermodynamic stability) indicates that this missense variant is not expected to disrupt ABAT protein function with a negative predictive value of 80%. In summary, the available evidence is currently insufficient to determine the role of this variant in disease. Therefore, it has been classified as a Variant of Uncertain Significance.

Ambry Genetics
Classification: Uncertain significance for Inborn genetic diseases. Last evaluated: 2022-05-09. Review status: criteria provided, single submitter. Criteria: Ambry Variant Classification Scheme 2023. Collection method: clinical testing. Allele origin: germline.

NM_020686.6(ABAT):c.1449C>A (p.His483Gln)

Gene: ABAT (4-aminobutyrate aminotransferase; plus strand). Cytogenetic location: 16p13.2.
Variant type: single nucleotide variant.
Coding change: c.1449C>A on transcript NM_020686.6 (MANE Select); coding-DNA position 1449, C replaced by A.
Protein change: p.His483Gln; replaces histidine 483 with glutamine.
Molecular consequence: missense variant.
Genome position (GRCh38, 1-based): chr16:8,781,376, C>A. VCF-style: chr16-8781376-C-A. GRCh37 (hg19) VCF-style: chr16-8875233-C-A.
Other names: c.1449C>A, p.His483Gln (NM_000663.5, NM_001127448.2, NM_001386600.1 and 4 more transcripts); c.1410C>A, p.His470Gln (NM_001386605.1); c.1386C>A, p.His462Gln (NM_001386606.1, NM_001386607.1); c.1356C>A, p.His452Gln (NM_001386608.1); c.1337C>A, p.Thr446Asn (NM_001386609.1); c.1314C>A, p.His438Gln (NM_001386610.1, NM_001386611.1); c.1251C>A, p.His417Gln (NM_001386612.1, NM_001386613.1); c.1203C>A, p.His401Gln (NM_001386614.1); and 2 more; short protein forms H417Q, H438Q, H452Q, T503N, H470Q, H483Q, H401Q, H462Q.
Identifiers: ClinVar variation 1924693 (VCV001924693.5), dbSNP rs2060434628, ClinGen allele CA394691613.